The following is an entry in ClinVar:

ClinVar aggregate classification (germline): Uncertain significance. Review status: criteria provided, multiple submitters, no conflicts (2 of 4 stars). 2 submissions from 2 submitters: Uncertain significance (2). Last evaluated 2025-02-12.

Conditions:
Hereditary cancer-predisposing syndrome. Also called: Tumor predisposition; Neoplastic Syndromes, Hereditary; Hereditary Cancer Syndrome; Hereditary neoplastic syndrome. Identifiers: Orphanet 140162, MedGen C0027672, MeSH D009386, MONDO:0015356.
Tuberous sclerosis 2 (TSC2). Identifiers: Orphanet 805, MedGen C1860707, MONDO:0013199, OMIM 613254.

Submissions (2):

Ambry Genetics
Classification: Uncertain significance for Hereditary cancer-predisposing syndrome. Last evaluated: 2025-02-12. Review status: criteria provided, single submitter. Criteria: Ambry Variant Classification Scheme 2023. Collection method: clinical testing. Allele origin: germline.
Comment: The p.L916M variant (also known as c.2746C>A), located in coding exon 24 of the TSC2 gene, results from a C to A substitution at nucleotide position 2746. The leucine at codon 916 is replaced by methionine, an amino acid with highly similar properties. This amino acid position is highly conserved in available vertebrate species. In addition, this alteration is predicted to be deleterious by in silico analysis. Based on the available evidence, the clinical significance of this variant remains unclear.

Labcorp Genetics (formerly Invitae), Labcorp
Classification: Uncertain significance for Tuberous sclerosis 2. Last evaluated: 2025-01-07. Review status: criteria provided, single submitter. Criteria: Invitae Variant Classification Sherloc (09022015). Collection method: clinical testing. Allele origin: germline.
Comment: This sequence change replaces leucine, which is neutral and non-polar, with methionine, which is neutral and non-polar, at codon 916 of the TSC2 protein (p.Leu916Met). This variant is not present in population databases (gnomAD no frequency). This variant has not been reported in the literature in individuals affected with TSC2-related conditions. ClinVar contains an entry for this variant (Variation ID: 1062050). Invitae Evidence Modeling of protein sequence and biophysical properties (such as structural, functional, and spatial information, amino acid conservation, physicochemical variation, residue mobility, and thermodynamic stability) indicates that this missense variant is not expected to disrupt TSC2 protein function with a negative predictive value of 95%. In summary, the available evidence is currently insufficient to determine the role of this variant in disease. Therefore, it has been classified as a Variant of Uncertain Significance.

NM_000548.5(TSC2):c.2746C>A (p.Leu916Met)

Gene: TSC2 (TSC complex subunit 2; plus strand). Cytogenetic location: 16p13.3.
Variant type: single nucleotide variant.
Coding change: c.2746C>A on transcript NM_000548.5 (MANE Select); coding-DNA position 2746, C replaced by A.
Protein change: p.Leu916Met; replaces leucine 916 with methionine.
Molecular consequence: missense variant.
Genome position (GRCh38, 1-based): chr16:2,076,494, C>A. VCF-style: chr16-2076494-C-A. GRCh37 (hg19) VCF-style: chr16-2126495-C-A.
Other names: c.2746C>A, p.Leu916Met (NM_001077183.3, NM_001114382.3, NM_001363528.2 and 3 more transcripts); c.2635C>A, p.Leu879Met (NM_001318827.2); c.2599C>A, p.Leu867Met (NM_001318829.2); c.2146C>A, p.Leu716Met (NM_001318831.2); c.2779C>A, p.Leu927Met (NM_001318832.2); c.2746C>A (NM_000548.3); short protein forms L716M, L867M, L879M, L916M, L927M.
Identifiers: ClinVar variation 1062050 (VCV001062050.8), dbSNP rs137854274, ClinGen allele CA394279771.